The following is an entry in ClinVar:

ClinVar aggregate classification (germline): Uncertain significance (1 of 4 stars; one submission).

Conditions:
Spastic ataxia 2. Also called: Ataxia, spastic, 2, autosomal recessive. Identifiers: Orphanet 397946, MedGen C1969796, MONDO:0012651, OMIM 611302.

gnomAD v4.1: 8 of 1,606,510 alleles (0.0005%); highest among the groups gnomAD compares: Admixed American, 0.014%; no homozygotes.

Submission:

Labcorp Genetics (formerly Invitae), Labcorp
Classification: Uncertain significance for Spastic ataxia 2. Last evaluated: 2025-04-21. Review status: criteria provided, single submitter. Criteria: Invitae Variant Classification Sherloc (09022015). Collection method: clinical testing. Allele origin: germline.
Comment: This sequence change replaces proline, which is neutral and non-polar, with arginine, which is basic and polar, at codon 1080 of the KIF1C protein (p.Pro1080Arg). This variant is present in population databases (rs763743652, gnomAD 0.02%). This variant has not been reported in the literature in individuals affected with KIF1C-related conditions. ClinVar contains an entry for this variant (Variation ID: 2040378). An algorithm developed to predict the effect of missense changes on protein structure and function (PolyPhen-2) suggests that this variant is likely to be disruptive. In summary, the available evidence is currently insufficient to determine the role of this variant in disease. Therefore, it has been classified as a Variant of Uncertain Significance.

NM_006612.6(KIF1C):c.3239C>G (p.Pro1080Arg)

Gene: KIF1C (kinesin family member 1C; plus strand). Cytogenetic location: 17p13.2.
Variant type: single nucleotide variant.
Coding change: c.3239C>G on transcript NM_006612.6 (MANE Select); coding-DNA position 3239, C replaced by G.
Protein change: p.Pro1080Arg; replaces proline 1080 with arginine.
Molecular consequence: missense variant.
Genome position (GRCh38, 1-based): chr17:5,024,078, C>G. VCF-style: chr17-5024078-C-G. GRCh37 (hg19) VCF-style: chr17-4927373-C-G.
Other names: short protein forms P1080R.
Identifiers: ClinVar variation 2040378 (VCV002040378.4), dbSNP rs763743652, ClinGen allele CA8319518.